The following is an entry in ClinVar:

NM_000428.3(LTBP2):c.5365G>C (p.Val1789Leu)

Gene: LTBP2 (latent transforming growth factor beta binding protein 2; minus strand). Cytogenetic location: 14q24.3.
Variant type: single nucleotide variant.
Coding change: c.5365G>C on transcript NM_000428.3 (MANE Select); coding-DNA position 5365, G replaced by C.
Protein change: p.Val1789Leu; replaces valine 1789 with leucine.
Molecular consequence: missense variant.
Genome position (GRCh38, 1-based): chr14:74,500,985, C>G on the plus strand (G>C on the coding strand, the complement: LTBP2 is on the minus strand). VCF-style: chr14-74500985-C-G. GRCh37 (hg19) VCF-style: chr14-74967688-C-G.
Other names: short protein forms V1789L.
Identifiers: ClinVar variation 1467876 (VCV001467876.6), dbSNP rs368636646, ClinGen allele CA7268419.

ClinVar aggregate classification (germline): Uncertain significance (1 of 4 stars; one submission).

Allele frequency attached by ClinVar (database versions not stated): gnomAD exomes below 0.00001; ExAC 0.00001; gnomAD 0.00001; TOPMed 0.00003; ESP Exome Variant Server 0.00008.
gnomAD v4.1: 3 of 1,614,016 alleles (0.00019%); highest among the groups gnomAD compares: African/African-American, 0.0027%; no homozygotes.

Submission:

Labcorp Genetics (formerly Invitae), Labcorp
Classification: Uncertain significance. Last evaluated: 2021-10-28. Review status: criteria provided, single submitter. Criteria: Invitae Variant Classification Sherloc (09022015). Collection method: clinical testing. Allele origin: germline.
Comment: In summary, the available evidence is currently insufficient to determine the role of this variant in disease. Therefore, it has been classified as a Variant of Uncertain Significance. Algorithms developed to predict the effect of missense changes on protein structure and function (SIFT, PolyPhen-2, Align-GVGD) all suggest that this variant is likely to be tolerated. This variant has not been reported in the literature in individuals affected with LTBP2-related conditions. This variant is present in population databases (rs368636646, gnomAD 0.007%). This sequence change replaces valine, which is neutral and non-polar, with leucine, which is neutral and non-polar, at codon 1789 of the LTBP2 protein (p.Val1789Leu).